The following is an entry in ClinVar:

NM_004655.4(AXIN2):c.974A>G (p.Tyr325Cys)

Gene: AXIN2 (axin 2; minus strand). Cytogenetic location: 17q24.1.
Variant type: single nucleotide variant.
Coding change: c.974A>G on transcript NM_004655.4 (MANE Select); coding-DNA position 974, A replaced by G.
Protein change: p.Tyr325Cys; replaces tyrosine 325 with cysteine.
Molecular consequence: missense variant.
Genome position (GRCh38, 1-based): chr17:65,541,540, T>C on the plus strand (A>G on the coding strand, the complement: AXIN2 is on the minus strand). VCF-style: chr17-65541540-T-C. GRCh37 (hg19) VCF-style: chr17-63537658-T-C.
Other names: c.974A>G, p.Tyr325Cys (NM_001363813.1); short protein forms Y325C.
Identifiers: ClinVar variation 3470905 (VCV003470905.4).

ClinVar aggregate classification (germline): Uncertain significance. Review status: criteria provided, multiple submitters, no conflicts (2 of 4 stars). 3 submissions from 3 submitters: Uncertain significance (3). Last evaluated 2025-05-08.

Conditions:
Hereditary cancer-predisposing syndrome. Also called: Tumor predisposition; Neoplastic Syndromes, Hereditary; Hereditary neoplastic syndrome; Hereditary Cancer Syndrome. Identifiers: Orphanet 140162, MedGen C0027672, MeSH D009386, MONDO:0015356.
Oligodontia-cancer predisposition syndrome. Also called: TOOTH AGENESIS-COLORECTAL CANCER SYNDROME. Identifiers: Orphanet 300576, MedGen C1837750, MONDO:0012075, OMIM 608615. Disease mechanism: loss of function.

Submissions (3):

Quest Diagnostics Nichols Institute San Juan Capistrano
Classification: Uncertain significance. Last evaluated: 2025-05-08. Review status: criteria provided, single submitter. Criteria: Quest Diagnostics criteria. Collection method: clinical testing. Allele origin: unknown.
Comment: The AXIN2 c.974A>G (p.Tyr325Cys) variant has not been reported in individuals with AXIN2-related conditions in the published literature. It also has not been reported in large, multi-ethnic general populations (Genome Aggregation Database). Analysis of this variant using bioinformatics tools for the prediction of the effect of amino acid changes on protein structure and function yielded conflicting predictions that this variant is benign or damaging. Based on the available information, we are unable to determine the clinical significance of this variant.

Ambry Genetics
Classification: Uncertain significance for Hereditary cancer-predisposing syndrome. Last evaluated: 2024-11-17. Review status: criteria provided, single submitter. Criteria: Ambry Variant Classification Scheme 2023. Collection method: clinical testing. Allele origin: germline.
Comment: The p.Y325C variant (also known as c.974A>G), located in coding exon 3 of the AXIN2 gene, results from an A to G substitution at nucleotide position 974. The tyrosine at codon 325 is replaced by cysteine, an amino acid with highly dissimilar properties. This amino acid position is conserved. In addition, this alteration is predicted to be deleterious by in silico analysis. Based on the available evidence, the clinical significance of this variant remains unclear.

Labcorp Genetics (formerly Invitae), Labcorp
Classification: Uncertain significance for Oligodontia-cancer predisposition syndrome. Last evaluated: 2024-08-28. Review status: criteria provided, single submitter. Criteria: Invitae Variant Classification Sherloc (09022015). Collection method: clinical testing. Allele origin: germline.
Comment: This sequence change replaces tyrosine, which is neutral and polar, with cysteine, which is neutral and slightly polar, at codon 325 of the AXIN2 protein (p.Tyr325Cys). This variant is not present in population databases (gnomAD no frequency). This variant has not been reported in the literature in individuals affected with AXIN2-related conditions. Invitae Evidence Modeling of protein sequence and biophysical properties (such as structural, functional, and spatial information, amino acid conservation, physicochemical variation, residue mobility, and thermodynamic stability) indicates that this missense variant is expected to disrupt AXIN2 protein function with a positive predictive value of 80%. In summary, the available evidence is currently insufficient to determine the role of this variant in disease. Therefore, it has been classified as a Variant of Uncertain Significance.